The following is an entry in ClinVar:

ClinVar aggregate classification (germline): Uncertain significance (1 of 4 stars; one submission).

Allele frequency attached by ClinVar (database versions not stated): gnomAD 0.00001; TOPMed 0.00001.

Submission:

GeneDx
Classification: Uncertain significance. Last evaluated: 2017-07-28. Review status: criteria provided, single submitter. Criteria: GeneDx Variant Classification (06012015). Collection method: clinical testing. Allele origin: germline. Affected: yes.
Comment: A variant of uncertain significance has been identified in the FAT4 gene. The T4202I variant has not been published as a pathogenic variant, nor has it been reported as a benign variant to our knowledge. The T4202I variant is not observed in large population cohorts (Lek et al., 2016; 1000 Genomes Consortium et al., 2015; Exome Variant Server). This substitution occurs at a position where amino acids with similar properties to Threonine are tolerated across species. However, the T4202I variant is a non-conservative amino acid substitution, which is likely to impact secondary protein structure as these residues differ in polarity, charge, size and/or other properties. In silico analysis is inconsistent in its predictions as to whether or not the variant is damaging to the protein structure/function. Therefore, based on the currently available information, it is unclear whether this variant is a pathogenic variant or a rare benign variant.

NM_001291303.3(FAT4):c.12611C>T (p.Thr4204Ile)

Gene: FAT4 (FAT atypical cadherin 4; plus strand). Cytogenetic location: 4q28.1.
Variant type: single nucleotide variant.
Coding change: c.12611C>T on transcript NM_001291303.3 (MANE Select); coding-DNA position 12611, C replaced by T.
Protein change: p.Thr4204Ile; replaces threonine 4204 with isoleucine.
Molecular consequence: missense variant.
Genome position (GRCh38, 1-based): chr4:125,481,527, C>T. VCF-style: chr4-125481527-C-T. GRCh37 (hg19) VCF-style: chr4-126402682-C-T.
Other names: c.12611C>T, p.Thr4204Ile (NM_001291285.3); c.12605C>T, p.Thr4202Ile (NM_024582.6); short protein forms T4202I, T4204I.
Identifiers: ClinVar variation 450960 (VCV000450960.2), dbSNP rs1173461199, ClinGen allele CA358132411.
Genomic context (GRCh38, chr4:125,481,527, plus strand): 5'-CCAAGAAATGCCAAATGAATGCATTCATTTTCCCTTTTTTCCTTTGACTTCCAGCTGTTA[C>T]TCCTGACACTGCCTTATCATTAGAAGGCAAAGGGCGCTTGGACTACCACATGAGTCAGAA-3'
Protein context (NP_001278232.1, residues 4194-4214): LTGKYCEKSV[Thr4204Ile]PDTALSLEGK